The following is an entry in ClinVar:

NC_000007.14:g.156791471A>G

Genes: LMBR1 (limb development membrane protein 1; minus strand), SHH (sonic hedgehog signaling molecule; minus strand), ZRS (ZPA regulatory sequence; plus strand). Cytogenetic location: 7q36.3.
Variant type: single nucleotide variant.
Molecular consequence: intron variant (on NM_022458.4).
Genome position: GRCh38 VCF-style: chr7-156791471-A-G. GRCh37 (hg19) VCF-style: chr7-156584165-A-G.
Other names: c.360+4918T>C (NM_001363412.2); c.144+4918T>C (NM_001350954.2); c.423+4918T>C (NM_001363410.2, NM_022458.4, NM_001363409.2 and 1 more transcripts); c.-112+4918T>C (NM_001350958.2, NM_001350956.2, NM_001350955.2 and 1 more transcripts); c.54+4918T>C (NM_001350957.2, NM_001363411.2).
Identifiers: ClinVar variation 3344248 (VCV003344248.1).
Genomic context (GRCh38, chr7:156,791,471, plus strand): 5'-TAAGATGGAGGCCTGATACAAATTAGCCACTGGGGGGAAAAAGTCATCTGGTCATAAAAT[A>G]CAGTACAAGGTCACTTTTATGTAAGTTTGCCAAAAGGGACATAAACCAGGACAATTTCAA-3'

ClinVar aggregate classification (germline): Likely pathogenic (0 of 4 stars; one submission).

Conditions:
SHH-related disorder. Also called: SHH-related condition; SHH-related disorders.

Submission:

PreventionGenetics, part of Exact Sciences
Classification: Likely pathogenic for SHH-related condition. Last evaluated: 2024-09-12. Review status: no assertion criteria provided. Collection method: clinical testing. Allele origin: germline.
Comment: The SHH c.-979349T>C variant is located in the 5' untranslated region. This variant is also known as LMBR1 - NM_022458:c.423+4918T>C. To our knowledge, this variant has not been reported in the literature or in a large population database, indicating this variant is rare. Of note, variants within intron 5 of LMBR1 that impact the long-range regulatory element for SSH known as the zone of polarizing activity regulatory sequence (ZRS) (OMIM#620738: ~chr7:156,583,402-156,585,773, GRCh37/hg19) have been documented in patients with polydactyly and digit anomalies (Dai et al. 2013. PubMed ID:23793141; Xiang et al. 2017. PubMed ID: 28127823; Potuijt et al. 2020. PubMed ID: 32179704; Xu et al. 2020. PubMed ID: 31395945). Of note, this variant lies within a five nucleotide region of the ZRS (chr7:156,584,164-156,584,168 GRCh37/hg19) in which several sequence variants have been reported in patients with tibial hypoplasia in addition to the digit defects described above (OMIM #188740; described as ZRS 402C>T, 404G>C, 404G>A, and 406A>G; Wieczorek et al. 2010. PubMed ID: 19847792; Norbnop et al. 2014. PubMed ID: 24965254; VanderMeer et al. 2014. PubMed ID: 24777739). To our knowledge, this variant has not been reported in the literature or in a large population database, indicating this variant is rare. This variant is interpreted as likely pathogenic.